The following is an entry in ClinVar:

NM_000384.3(APOB):c.2692G>T (p.Gly898Trp)

Gene: APOB (apolipoprotein B; minus strand). Cytogenetic location: 2p24.1.
Variant type: single nucleotide variant.
Coding change: c.2692G>T on transcript NM_000384.3 (MANE Select); coding-DNA position 2692, G replaced by T.
Protein change: p.Gly898Trp; replaces glycine 898 with tryptophan.
Molecular consequence: missense variant.
Genome position (GRCh38, 1-based): chr2:21,022,955, C>A on the plus strand (G>T on the coding strand, the complement: APOB is on the minus strand). VCF-style: chr2-21022955-C-A. GRCh37 (hg19) VCF-style: chr2-21245827-C-A.
Other names: short protein forms G898W.
Identifiers: ClinVar variation 4795596 (VCV004795596.1).
Genomic context (GRCh38, chr2:21,022,955, plus strand): 5'-TTAGGGCAACATGAGCCTCCAGACCCGACTCGTGGAAGAAGTTGGTGTTCATCTGGACCC[C>A]ACTCCTAGCGAAGTCCGGAATGATGATGCCCATATTTGTCACAAACTCCACAGACACGGA-3'
Protein context (NP_000375.3, residues 888-908): GIIIPDFARS[Gly898Trp]VQMNTNFFHE

ClinVar aggregate classification (germline): Uncertain significance (1 of 4 stars; one submission).

Submission:

GeneDx
Classification: Uncertain significance. Last evaluated: 2025-08-10. Review status: criteria provided, single submitter. Criteria: GeneDx Variant Classification Process June 2021. Collection method: clinical testing. Allele origin: germline. Affected: yes.
Comment: Not observed at significant frequency in large population cohorts (gnomAD); In silico analysis supports that this missense variant has a deleterious effect on protein structure/function; Has not been previously published as pathogenic or benign to our knowledge